The following is an entry in ClinVar:

ClinVar aggregate classification (germline): Uncertain significance (1 of 4 stars; one submission).

Conditions:
Hereditary cancer-predisposing syndrome. Also called: Tumor predisposition; Neoplastic Syndromes, Hereditary; Hereditary neoplastic syndrome; Hereditary Cancer Syndrome. Identifiers: Orphanet 140162, MedGen C0027672, MeSH D009386, MONDO:0015356.

Submission:

Ambry Genetics
Classification: Uncertain significance for Hereditary cancer-predisposing syndrome. Last evaluated: 2024-08-03. Review status: criteria provided, single submitter. Criteria: Ambry Variant Classification Scheme 2023. Collection method: clinical testing. Allele origin: germline.
Comment: The p.P242H variant (also known as c.725C>A), located in coding exon 3 of the SMARCA4 gene, results from a C to A substitution at nucleotide position 725. The proline at codon 242 is replaced by histidine, an amino acid with similar properties. This amino acid position is conserved. In addition, this alteration is predicted to be tolerated by in silico analysis. Based on the available evidence, the clinical significance of this variant remains unclear.

NM_003072.5(SMARCA4):c.725C>A (p.Pro242His)

Gene: SMARCA4 (SWI/SNF related BAF chromatin remodeling complex subunit ATPase 4; plus strand). Cytogenetic location: 19p13.2.
Variant type: single nucleotide variant.
Coding change: c.725C>A on transcript NM_003072.5 (MANE Select); coding-DNA position 725, C replaced by A.
Protein change: p.Pro242His; replaces proline 242 with histidine.
Molecular consequence: missense variant. On other transcripts: non-coding transcript variant (1).
Genome position (GRCh38, 1-based): chr19:10,986,558, C>A. VCF-style: chr19-10986558-C-A. GRCh37 (hg19) VCF-style: chr19-11097234-C-A.
Other names: c.725C>A, p.Pro242His (NM_001128844.3, NM_001128845.2, NM_001128846.2 and 6 more transcripts); short protein forms P242H.
Identifiers: ClinVar variation 3445983 (VCV003445983.1).